The following is an entry in ClinVar:

NM_001130438.3(SPTAN1):c.5273C>T (p.Ala1758Val)

Gene: SPTAN1 (spectrin alpha, non-erythrocytic 1; plus strand). Cytogenetic location: 9q34.11.
Variant type: single nucleotide variant.
Coding change: c.5273C>T on transcript NM_001130438.3 (MANE Select); coding-DNA position 5273, C replaced by T.
Protein change: p.Ala1758Val; replaces alanine 1758 with valine.
Molecular consequence: missense variant.
Genome position (GRCh38, 1-based): chr9:128,615,756, C>T. VCF-style: chr9-128615756-C-T. GRCh37 (hg19) VCF-style: chr9-131378035-C-T.
Other names: c.5198C>T, p.Ala1733Val (NM_001195532.2); c.5273C>T, p.Ala1758Val (NM_001363759.2, NM_001375310.1, NM_001375311.2 and 1 more transcripts); c.5213C>T, p.Ala1738Val (NM_001363765.2, NM_001375314.2); c.5309C>T, p.Ala1770Val (NM_001375312.2, NM_001375318.1); c.5258C>T, p.Ala1753Val (NM_003127.4); short protein forms A1758V, A1738V, A1753V, A1770V, A1733V.
Identifiers: ClinVar variation 2996218 (VCV002996218.3), dbSNP rs1448733248, ClinGen allele CA375074758.

ClinVar aggregate classification (germline): Uncertain significance (1 of 4 stars; one submission).

Conditions:
Early-infantile DEE. Also called: Early infantile epileptic encephalopathy with suppression bursts; Ohtahara syndrome; Early infantile epileptic encephalopathy. Identifiers: Orphanet 1934, MedGen C0393706, MONDO:0800491.

Allele frequency attached by ClinVar (database versions not stated): gnomAD exomes below 0.00001; TOPMed below 0.00001.
gnomAD v4.1: 7 of 1,614,234 alleles (0.00043%); highest among the groups gnomAD compares: Non-Finnish European, 0.00059%; no homozygotes.

Submission:

Labcorp Genetics (formerly Invitae), Labcorp
Classification: Uncertain significance for Early-infantile DEE. Last evaluated: 2024-09-14. Review status: criteria provided, single submitter. Criteria: Invitae Variant Classification Sherloc (09022015). Collection method: clinical testing. Allele origin: germline.
Comment: This sequence change replaces alanine, which is neutral and non-polar, with valine, which is neutral and non-polar, at codon 1758 of the SPTAN1 protein (p.Ala1758Val). The frequency data for this variant in the population databases is considered unreliable, as metrics indicate poor data quality at this position in the gnomAD database. This variant has not been reported in the literature in individuals affected with SPTAN1-related conditions. Invitae Evidence Modeling of protein sequence and biophysical properties (such as structural, functional, and spatial information, amino acid conservation, physicochemical variation, residue mobility, and thermodynamic stability) has been performed for this missense variant. However, the output from this modeling did not meet the statistical confidence thresholds required to predict the impact of this variant on SPTAN1 protein function. In summary, the available evidence is currently insufficient to determine the role of this variant in disease. Therefore, it has been classified as a Variant of Uncertain Significance.